The following is an entry in ClinVar:

NM_005051.3(QARS1):c.972G>A (p.Trp324Ter)

Gene: QARS1 (glutaminyl-tRNA synthetase 1; minus strand). Cytogenetic location: 3p21.31.
Variant type: single nucleotide variant.
Coding change: c.972G>A on transcript NM_005051.3 (MANE Select); coding-DNA position 972, G replaced by A.
Protein change: p.Trp324Ter; replaces tryptophan 324 with a stop codon.
Molecular consequence: nonsense. On other transcripts: non-coding transcript variant (1).
Genome position (GRCh38, 1-based): chr3:49,100,579, C>T on the plus strand (G>A on the coding strand, the complement: QARS1 is on the minus strand). VCF-style: chr3-49100579-C-T. GRCh37 (hg19) VCF-style: chr3-49138012-C-T.
Other names: c.939G>A, p.Trp313Ter (NM_001272073.2); short protein forms W313*, W324*.
Identifiers: ClinVar variation 1973279 (VCV001973279.5), dbSNP rs2471852703, ClinGen allele CA352711661.
Genomic context (GRCh38, chr3:49,100,579, plus strand): 5'-GGCCCAAGGAGAGGCCCACTAACCACCAGCCCTTCTAGGCTTTGCCTAGTCCATACCTAG[C>T]CAGGCTACCATGTCACAGATGGCCGTGAAGAACTTTGCTTCCTCCTTCTCAGGGTTGGTG-3'

ClinVar aggregate classification (germline): Pathogenic (1 of 4 stars; one submission).

Conditions:
Diffuse cerebral and cerebellar atrophy - intractable seizures - progressive microcephaly syndrome. Also called: Microcephaly, progressive, with seizures and cerebral and cerebellar atrophy. Identifiers: Orphanet 404437, MedGen C4014239, MONDO:0014335, OMIM 615760.

Allele frequency attached by ClinVar (database versions not stated): gnomAD exomes below 0.00001.
gnomAD v4.1: 2 of 1,603,704 alleles (0.00012%); highest among the groups gnomAD compares: Admixed American, 0.0033%; no homozygotes.

Submission:

Labcorp Genetics (formerly Invitae), Labcorp
Classification: Pathogenic for Diffuse cerebral and cerebellar atrophy - intractable seizures - progressive microcephaly syndrome. Last evaluated: 2025-01-30. Review status: criteria provided, single submitter. Criteria: Invitae Variant Classification Sherloc (09022015). Collection method: clinical testing. Allele origin: germline.
Comment: This sequence change creates a premature translational stop signal (p.Trp324*) in the QARS gene. It is expected to result in an absent or disrupted protein product. Loss-of-function variants in QARS are known to be pathogenic (PMID: 24656866, 25471517). This variant is not present in population databases (gnomAD no frequency). This variant has not been reported in the literature in individuals affected with QARS-related conditions. ClinVar contains an entry for this variant (Variation ID: 1973279). For these reasons, this variant has been classified as Pathogenic.

Literature cited by the submitters: PubMed 24656866; PubMed 25471517.